The following is an entry in ClinVar:

ClinVar aggregate classification (germline): Uncertain significance (1 of 4 stars; one submission).

Allele frequency attached by ClinVar (database versions not stated): ESP Exome Variant Server 0.00008.
gnomAD v4.1: 68 of 1,585,930 alleles (0.0043%); highest among the groups gnomAD compares: Non-Finnish European, 0.0052%; no homozygotes.

Submission:

GeneDx
Classification: Uncertain significance. Last evaluated: 2019-05-01. Review status: criteria provided, single submitter. Criteria: GeneDx Variant Classification Process June 2021. Collection method: clinical testing. Allele origin: germline. Affected: yes.
Comment: Has not been previously published as pathogenic or benign to our knowledge; Not observed at a significant frequency in large population cohorts (Lek et al., 2016); In silico analysis, which includes protein predictors and evolutionary conservation, supports a deleterious effect

NM_001080453.3(INTS1):c.2236G>A (p.Ala746Thr)

Gene: INTS1 (integrator complex subunit 1; minus strand). Cytogenetic location: 7p22.3.
Variant type: single nucleotide variant.
Coding change: c.2236G>A on transcript NM_001080453.3 (MANE Select); coding-DNA position 2236, G replaced by A.
Protein change: p.Ala746Thr; replaces alanine 746 with threonine.
Molecular consequence: missense variant.
Genome position (GRCh38, 1-based): chr7:1,489,612, C>T on the plus strand (G>A on the coding strand, the complement: INTS1 is on the minus strand). VCF-style: chr7-1489612-C-T. GRCh37 (hg19) VCF-style: chr7-1529248-C-T.
Other names: short protein forms A746T.
Identifiers: ClinVar variation 1305345 (VCV001305345.2), dbSNP rs374451629, ClinGen allele CA4119942.